The following is an entry in ClinVar:

ClinVar aggregate classification (germline): Likely benign (1 of 4 stars; one submission).

Conditions:
PKD1-related disorder. Also called: PKD1-related condition.

gnomAD v4.1: 192 of 1,590,584 alleles (0.012%); highest among the groups gnomAD compares: Non-Finnish European, 0.014%; no homozygotes.

Submission:

PreventionGenetics, part of Exact Sciences
Classification: Likely benign for PKD1-related condition. Last evaluated: 2026-08-14. Review status: criteria provided, single submitter. Criteria: ACMG Guidelines, 2015. Collection method: clinical testing. Allele origin: germline.
Comment: This variant is classified as likely benign based on ACMG/AMP sequence variant interpretation guidelines (Richards et al. 2015 PMID: 25741868, with internal and published modifications).

NM_001009944.3(PKD1):c.5829C>T (p.Val1943=)

Gene: PKD1 (polycystin 1, transient receptor potential channel interacting; minus strand). Cytogenetic location: 16p13.3.
Variant type: single nucleotide variant.
Coding change: c.5829C>T on transcript NM_001009944.3 (MANE Select); coding-DNA position 5829, C replaced by T.
Protein change: p.Val1943=; no amino-acid change (valine 1943 retained).
Molecular consequence: synonymous variant.
Genome position (GRCh38, 1-based): chr16:2,109,338, G>A on the plus strand (C>T on the coding strand, the complement: PKD1 is on the minus strand). VCF-style: chr16-2109338-G-A. GRCh37 (hg19) VCF-style: chr16-2159339-G-A.
Other names: c.5829C>T, p.Val1943= (NM_000296.4).
Identifiers: ClinVar variation 4977905 (VCV004977905.1).
Genomic context (GRCh38, chr16:2,109,338, plus strand): 5'-CACCTGCGCCTGGGCCCAGCTCACGTGGTTTTTGCCCCGCACGCTCACCACGTGGTCTCC[G>A]ACGCGGGGGAAGCTGTGGGAGAAACGGGGCCCGGGGAGCACCTCGGGGTTGGCCCCGCCG-3'
Protein context (NP_001009944.3, residues 1933-1953): GPRFSHSFPR[Val1943=]GDHVVSVRGK